The following is an entry in ClinVar:

ClinVar aggregate classification (germline): Conflicting classifications of pathogenicity. Review status: criteria provided, conflicting classifications (1 of 4 stars). 8 submissions from 8 submitters: Likely pathogenic (2); Uncertain significance (6). Last evaluated 2025-10-17.

Conditions:
MYL3-related disorder. Also called: MYL3-related condition.
Cardiovascular phenotype. Identifiers: MedGen CN230736.
Cardiomyopathy (CMYO). Also called: Cardiomyopathies. Identifiers: Orphanet 167848, MedGen C0878544, MONDO:0004994, HP:0001638. Inheritance: Various modes of inheritance.
Hypertrophic cardiomyopathy 8. Also called: MYL3-Related Familial Hypertrophic Cardiomyopathy; CARDIOMYOPATHY, HYPERTROPHIC, MID-LEFT VENTRICULAR CHAMBER TYPE, 1. Identifiers: MedGen C1837471, MONDO:0012111, OMIM 608751.
Hypertrophic cardiomyopathy. Also called: HYPERTROPHIC MYOCARDIOPATHY. Identifiers: Orphanet 217569, MedGen C0007194, MeSH D002312, MONDO:0005045, HP:0001639.

Allele frequency attached by ClinVar (database versions not stated): gnomAD exomes below 0.00001 and 0.00001; ExAC 0.00001; gnomAD 0.00001; 1000 Genomes Project 30x 0.00016; 1000 Genomes Project 0.00020.

Submissions (8):

PreventionGenetics, part of Exact Sciences
Classification: Uncertain significance for MYL3-related condition. Last evaluated: 2025-10-17. Review status: criteria provided, single submitter. Criteria: ACMG Guidelines, 2015. Collection method: clinical testing. Allele origin: germline.
Comment: The MYL3 c.446T>C variant is predicted to result in the amino acid substitution p.Met149Thr. This variant has been reported in multiple individuals with hypertrophic cardiomyopathy (Zou et al. 2013. PubMed ID: 23283745; Walsh et al. 2016. PubMed ID: 27532257; McGurk et al. 2023. PubMed ID: 37652022). Alternate missense changes at the same amino acid position (p.Met149Val, p.Met149Ile) have been reported to be pathogenic (Poetter et al. 1996. PubMed ID: 8673105; Wang et al. 2014. PubMed ID: 25132132). This variant is reported in 0.0054% of alleles in individuals of East Asian descent in gnomAD. Although we suspect that this variant may be pathogenic, at this time, the clinical significance of this variant is uncertain due to the absence of conclusive functional and genetic evidence.

Labcorp Genetics (formerly Invitae), Labcorp
Classification: Uncertain significance for Hypertrophic cardiomyopathy. Last evaluated: 2025-10-13. Review status: criteria provided, single submitter. Criteria: Invitae Variant Classification Sherloc (09022015). Collection method: clinical testing. Allele origin: germline.
Comment: This sequence change replaces methionine, which is neutral and non-polar, with threonine, which is neutral and polar, at codon 149 of the MYL3 protein (p.Met149Thr). This variant is not present in population databases (gnomAD no frequency). This missense change has been observed in individuals with clinical features of hypertrophic cardiomyopathy (PMID: 23283745, 27532257, 37652022; internal data). ClinVar contains an entry for this variant (Variation ID: 43123). An algorithm developed to predict the effect of missense changes on protein structure and function (PolyPhen-2) suggests that this variant is likely to be disruptive. This variant disrupts the p.Met149 amino acid residue in MYL3. Other variant(s) that disrupt this residue have been determined to be pathogenic (PMID: 8673105, 16267253, 22131351). This suggests that this residue is clinically significant, and that variants that disrupt this residue are likely to be disease-causing. In summary, the available evidence is currently insufficient to determine the role of this variant in disease. Therefore, it has been classified as a Variant of Uncertain Significance.

Women's Health and Genetics/Laboratory Corporation of America, LabCorp
Classification: Uncertain significance. Last evaluated: 2025-06-17. Review status: criteria provided, single submitter. Criteria: LabCorp Variant Classification Summary - May 2015. Collection method: clinical testing. Allele origin: germline.
Comment: Variant summary: MYL3 c.446T>C (p.Met149Thr) results in a non-conservative amino acid change in the encoded protein sequence. Algorithms developed to predict the effect of missense changes on protein structure and function are either unavailable or do not agree on the potential impact of this missense change. The variant allele was found at a frequency of 4e-06 in 251474 control chromosomes (gnomAD). c.446T>C has been observed in individuals affected with Hypertrophic Cardiomyopathy (Zou_2013, Walsh_2017, McGurk_2023, internal data). These data do not allow any conclusion about variant significance. A different variant affecting the same codon has been classified as likely pathogenic by our lab (c.445A>G, p.Met149Val), supporting the critical relevance of codon 149 to MYL3 protein function. To our knowledge, no experimental evidence demonstrating an impact on protein function has been reported. The following publications have been ascertained in the context of this evaluation (PMID: 26332594, 27532257, 23283745). ClinVar contains an entry for this variant (Variation ID: 43123). Based on the evidence outlined above, the variant was classified as VUS-possibly pathogenic.

Revvity Omics, Revvity
Classification: Uncertain significance for Hypertrophic cardiomyopathy 8. Last evaluated: 2025-05-20. Review status: criteria provided, single submitter. Criteria: ACMG Guidelines, 2015. Collection method: clinical testing. Allele origin: germline.

Color Diagnostics, LLC DBA Color Health
Classification: Uncertain significance for Cardiomyopathy. Last evaluated: 2024-09-11. Review status: criteria provided, single submitter. Criteria: ACMG Guidelines, 2015. Collection method: clinical testing. Allele origin: germline.
Comment: This missense variant replaces methionine with threonine at codon 149 of the MYL3 protein. Computational prediction tools indicate that this variant's impact on protein structure and function is inconclusive. To our knowledge, functional studies have not been reported for this variant. This variant has been reported in individuals affected with hypertrophic cardiomyopathy (PMID: 23283745, 27532257, 33495597). This variant has been identified in 1/251474 chromosomes in the general population by the Genome Aggregation Database (gnomAD). A different missense variant affecting the same codon, p.Met149Val, is considered to be disease-causing (ClinVar variation ID: 14061), suggesting that methionine at this position is important for MYL3 protein function. The available evidence is insufficient to determine the role of this variant in disease conclusively. Therefore, this variant is classified as a Variant of Uncertain Significance.

Ambry Genetics
Classification: Likely pathogenic for Cardiovascular phenotype. Last evaluated: 2024-07-01. Review status: criteria provided, single submitter. Criteria: Ambry Variant Classification Scheme 2023. Collection method: clinical testing. Allele origin: germline.
Comment: The c.446T>C (p.M149T) alteration is located in exon 4 (coding exon 4) of the MYL3 gene. This alteration results from a T to C substitution at nucleotide position 446, causing the methionine (M) at amino acid position 149 to be replaced by a threonine (T). This allele was reported in one heterozygous individual in population-based cohorts in the Genome Aggregation Database (gnomAD). This variant was reported in multiple individuals with hypertrophic cardiomyopathy (HCM) (Zou, 2013; Olfson, 2015; Walsh, 2017; Harper, 2021; external communications; Ambry internal data). Another variant at the same codon, c.445A>G (p.M149V), has been detected in individuals with HCM and reported to segregate with disease in multiple affected family members (Poetter, 1996; Arad, 2005). This amino acid position is highly conserved in available vertebrate species. This alteration is predicted to be deleterious by in silico analysis. Based on the available evidence, this alteration is classified as likely pathogenic.

3billion
Classification: Likely pathogenic for Hypertrophic cardiomyopathy 8. Last evaluated: 2022-01-03. Review status: criteria provided, single submitter. Criteria: ACMG Guidelines, 2015. Collection method: clinical testing. Allele origin: germline. Affected: yes. Observed: 1 heterozygote.
Comment: Different missense changes at the same codon have been reported as pathogenic/likely pathogenic with strong evidence (ClinVar ID: VCV000014061,VCV000181444, PMID:8673105,25132132, PM5_M). In silico tool predictions suggest damaging effect of the variant on gene or gene product (REVEL: 0.671, 3CNET: 0.928, PP3_P). A missense variant is a common mechanism associated with Cardiomyopathy (PP2_P). It is observed at an extremely low frequency in the gnomAD v2.1.1 dataset (total allele frequency: 0.000004, PM2_M). Same nucleotide change resulting in same amino acid change has been previously reported to be associated with MYL3 related disorder (PMID:23283745, PS1_P). Therefore, this variant is classified as likely pathogenic according to the recommendation of ACMG/AMP guideline.

Laboratory for Molecular Medicine, Mass General Brigham Personalized Medicine
Classification: Uncertain significance. Last evaluated: 2014-08-13. Review status: criteria provided, single submitter. Criteria: LMM Criteria. Collection method: clinical testing. Allele origin: germline. Observed: 2 variant alleles.
Comment: Another pathogenic variant at the same position has been reported (Met149Val; Poetter 1996, Arad 2005) suggesting a ch ange at this residue may not be tolerated. Computational prediction tools and co nservation analysis do not provide strong support for or against an impact to th e protein. In summary, the clinical significance of the Met149Thr variant is unc ertain.

Literature cited by the submitters: PubMed 23283745 (cited by 6 submitters); PubMed 27532257 (cited by 4 submitters); PubMed 37652022 (cited by Labcorp Genetics (formerly Invitae), Labcorp and Women's Health and Genetics/Laboratory Corporation of America, LabCorp); PubMed 8673105 (cited by 4 submitters); PubMed 16267253 (cited by 3 submitters); PubMed 22131351 (cited by Labcorp Genetics (formerly Invitae), Labcorp); PubMed 26332594 (cited by Women's Health and Genetics/Laboratory Corporation of America, LabCorp and Ambry Genetics); PubMed 33495597 (cited by Color Diagnostics, LLC DBA Color Health and Ambry Genetics).

NM_000258.3(MYL3):c.446T>C (p.Met149Thr)

Gene: MYL3 (myosin light chain 3; minus strand). Cytogenetic location: 3p21.31.
Variant type: single nucleotide variant.
Coding change: c.446T>C on transcript NM_000258.3 (MANE Select); coding-DNA position 446, T replaced by C.
Protein change: p.Met149Thr; replaces methionine 149 with threonine.
Molecular consequence: missense variant.
Genome position (GRCh38, 1-based): chr3:46,859,510, A>G on the plus strand (T>C on the coding strand, the complement: MYL3 is on the minus strand). VCF-style: chr3-46859510-A-G. GRCh37 (hg19) VCF-style: chr3-46901000-A-G.
Other names: short protein forms M149T.
Identifiers: ClinVar variation 43123 (VCV000043123.21), dbSNP rs202141423, ClinGen allele CA013800.